The following is an entry in ClinVar:

ClinVar aggregate classification (germline): Likely benign. Review status: criteria provided, multiple submitters, no conflicts (2 of 4 stars). 2 submissions from 2 submitters: Likely benign (2). Last evaluated 2026-06-16.

Conditions:
Polyps, multiple and recurrent inflammatory fibroid, gastrointestinal. Identifiers: MedGen C5193005, MONDO:0008285, OMIM 175510.
Gastrointestinal stromal tumor. Also called: Gastrointestinal stromal tumor, somatic; Gastrointestinal stroma tumor. Identifiers: Orphanet 44890, MedGen C0238198, MeSH D046152, MONDO:0011719, OMIM 606764, HP:0100723.

Allele frequency attached by ClinVar (database versions not stated): TOPMed 0.00001.

Submissions (2):

Myriad Genetics, Inc.
Classification: Likely benign for Polyps, multiple and recurrent inflammatory fibroid, gastrointestinal. Last evaluated: 2026-06-16. Review status: criteria provided, single submitter. Criteria: Myriad Autosomal Dominant, Autosomal Recessive and X-Linked Classification Criteria (2023). Collection method: clinical testing. Allele origin: unknown.
Comment: This variant is considered likely benign. This variant is intronic and is not expected to impact mRNA splicing.

Labcorp Genetics (formerly Invitae), Labcorp
Classification: Likely benign for Gastrointestinal stromal tumor. Last evaluated: 2025-09-10. Review status: criteria provided, single submitter. Criteria: Invitae Variant Classification Sherloc (09022015). Collection method: clinical testing. Allele origin: germline.

NM_006206.6(PDGFRA):c.3123-11C>T

Gene: PDGFRA (platelet derived growth factor receptor alpha; plus strand). Cytogenetic location: 4q12.
Variant type: single nucleotide variant.
Coding change: c.3123-11C>T on transcript NM_006206.6 (MANE Select); 11 bases into the intron before coding-DNA position 3123, C replaced by T.
Molecular consequence: intron variant.
Genome position (GRCh38, 1-based): chr4:54,295,114, C>T. VCF-style: chr4-54295114-C-T. GRCh37 (hg19) VCF-style: chr4-55161281-C-T.
Other names: c.3198-11C>T (NM_001347828.2); c.3123-11C>T (NM_001347829.2); c.3162-11C>T (NM_001347830.2).
Identifiers: ClinVar variation 1624843 (VCV001624843.17), dbSNP rs1724812672, ClinGen allele CA1458544585.